The following is an entry in ClinVar:

ClinVar aggregate classification (germline): Uncertain significance. Review status: criteria provided, multiple submitters, no conflicts (2 of 4 stars). 2 submissions from 2 submitters: Uncertain significance (2). Last evaluated 2025-08-20.

Conditions:
Inborn genetic diseases. Identifiers: MedGen C0950123, MeSH D030342.
Nuclear pulverulent cataract (CTRCT2). Identifiers: MedGen C1852438, HP:0010698.

Allele frequency attached by ClinVar (database versions not stated): ExAC 0.00001; gnomAD 0.00001; gnomAD exomes 0.00001; TOPMed 0.00001.
gnomAD v4.1: 11 of 1,614,082 alleles (0.00068%); highest among the groups gnomAD compares: Admixed American, 0.013%; no homozygotes.

Submissions (2):

Ambry Genetics
Classification: Uncertain significance for Inborn genetic diseases. Last evaluated: 2025-08-20. Review status: criteria provided, single submitter. Criteria: Ambry Variant Classification Scheme 2023. Collection method: clinical testing. Allele origin: germline.

Labcorp Genetics (formerly Invitae), Labcorp
Classification: Uncertain significance for Nuclear pulverulent cataract. Last evaluated: 2023-07-29. Review status: criteria provided, single submitter. Criteria: Invitae Variant Classification Sherloc (09022015). Collection method: clinical testing. Allele origin: germline.
Comment: This sequence change replaces asparagine, which is neutral and polar, with serine, which is neutral and polar, at codon 138 of the CRYGC protein (p.Asn138Ser). In summary, the available evidence is currently insufficient to determine the role of this variant in disease. Therefore, it has been classified as a Variant of Uncertain Significance. Algorithms developed to predict the effect of missense changes on protein structure and function output the following: SIFT: "Not Available"; PolyPhen-2: "Benign"; Align-GVGD: "Not Available". The serine amino acid residue is found in multiple mammalian species, which suggests that this missense change does not adversely affect protein function. This variant has not been reported in the literature in individuals affected with CRYGC-related conditions. This variant is present in population databases (rs757589647, gnomAD 0.006%).

NM_020989.4(CRYGC):c.413A>G (p.Asn138Ser)

Genes: CRYGC (crystallin gamma C; minus strand), LOC100507443 (uncharacterized LOC100507443; plus strand). Cytogenetic location: 2q33.3.
Variant type: single nucleotide variant.
Coding change: c.413A>G on transcript NM_020989.4 (MANE Select); coding-DNA position 413, A replaced by G.
Protein change: p.Asn138Ser; replaces asparagine 138 with serine.
Molecular consequence: missense variant.
Genome position (GRCh38, 1-based): chr2:208,128,315, T>C on the plus strand (A>G on the coding strand, the complement: CRYGC is on the minus strand). VCF-style: chr2-208128315-T-C. GRCh37 (hg19) VCF-style: chr2-208993039-T-C.
Other names: c.413A>G (NM_020989.3); short protein forms N138S.
Identifiers: ClinVar variation 2729434 (VCV002729434.4), dbSNP rs757589647, ClinGen allele CA2077846.
Genomic context (GRCh38, chr2:208,128,315, plus strand): 5'-CCCCAGTCCTGGCACCGCCTGTACTCTTGGGGCCTCAGCAGGTATTGCCGCCCCCGGTAG[T>C]TGGGCAGCTCGTAGAGGACCCAGCAGCCCTCCAGCACGTGGAGGGAACGGATCTCGCTGA-3'
Protein context (NP_066269.1, residues 128-148): EGCWVLYELP[Asn138Ser]YRGRQYLLRP